The following is an entry in ClinVar:

ClinVar aggregate classification (germline): Pathogenic (1 of 4 stars; one submission).

Submission:

Labcorp Genetics (formerly Invitae), Labcorp
Classification: Pathogenic. Last evaluated: 2023-06-09. Review status: criteria provided, single submitter. Criteria: Invitae Variant Classification Sherloc (09022015). Collection method: clinical testing. Allele origin: germline.
Comment: This sequence change creates a premature translational stop signal (p.Trp160*) in the MESP2 gene. It is expected to result in an absent or disrupted protein product. Loss-of-function variants in MESP2 are known to be pathogenic (PMID: 9242490, 18485326). This variant is not present in population databases (gnomAD no frequency). This variant has not been reported in the literature in individuals affected with MESP2-related conditions. For these reasons, this variant has been classified as Pathogenic.

Literature cited by the submitters: PubMed 9242490; PubMed 18485326.

NM_001039958.2(MESP2):c.480G>A (p.Trp160Ter)

Gene: MESP2 (mesoderm posterior bHLH transcription factor 2; plus strand). Cytogenetic location: 15q26.1.
Variant type: single nucleotide variant.
Coding change: c.480G>A on transcript NM_001039958.2 (MANE Select); coding-DNA position 480, G replaced by A.
Protein change: p.Trp160Ter; replaces tryptophan 160 with a stop codon.
Molecular consequence: nonsense.
Genome position (GRCh38, 1-based): chr15:89,776,837, G>A. VCF-style: chr15-89776837-G-A. GRCh37 (hg19) VCF-style: chr15-90320068-G-A.
Other names: short protein forms W160*.
Identifiers: ClinVar variation 2704655 (VCV002704655.3), dbSNP rs2505186262, ClinGen allele CA393770447.
Genomic context (GRCh38, chr15:89,776,837, plus strand): 5'-TCTCAGCGAGGAGAGTCTGCAGTGCCGGCGCAGGCAGCGCGGGGACGCGGGGTCCCCTTG[G>A]GGCTGCCCGCTGTGCCCCGACCGTGGCCCCGCAGAGGCGCAGACGCAGGCGGAGGGGCAG-3'